The following is an entry in ClinVar:

ClinVar aggregate classification (germline): Uncertain significance (1 of 4 stars; one submission).

Allele frequency attached by ClinVar (database versions not stated): gnomAD exomes below 0.00001.
gnomAD v4.1: 2 of 1,605,382 alleles (0.00012%); highest among the groups gnomAD compares: Non-Finnish European, 0.00017%; no homozygotes.

Submission:

CeGaT Center for Human Genetics Tuebingen
Classification: Uncertain significance. Last evaluated: 2023-04-01. Review status: criteria provided, single submitter. Criteria: CeGaT Center For Human Genetics Tuebingen Variant Classification Criteria Version 2. Collection method: clinical testing. Allele origin: germline. Affected: yes. Observed: 1 variant allele.
Comment: CHD5: PM2, PP2, PP3

NM_015557.3(CHD5):c.4285C>T (p.Arg1429Trp)

Gene: CHD5 (chromodomain helicase DNA binding protein 5; minus strand). Cytogenetic location: 1p36.31.
Variant type: single nucleotide variant.
Coding change: c.4285C>T on transcript NM_015557.3 (MANE Select); coding-DNA position 4285, C replaced by T.
Protein change: p.Arg1429Trp; replaces arginine 1429 with tryptophan.
Molecular consequence: missense variant.
Genome position (GRCh38, 1-based): chr1:6,125,209, G>A on the plus strand (C>T on the coding strand, the complement: CHD5 is on the minus strand). VCF-style: chr1-6125209-G-A. GRCh37 (hg19) VCF-style: chr1-6185269-G-A.
Other names: short protein forms R1429W.
Identifiers: ClinVar variation 2570706 (VCV002570706.27), dbSNP rs2525367198, ClinGen allele CA338072570.